The following is an entry in ClinVar:

NM_001297595.2(SIN3B):c.493G>A (p.Ala165Thr)

Gene: SIN3B (SIN3 transcription regulator family member B; plus strand). Cytogenetic location: 19p13.11.
Variant type: single nucleotide variant.
Coding change: c.493G>A on transcript NM_001297595.2 (MANE Select); coding-DNA position 493, G replaced by A.
Protein change: p.Ala165Thr; replaces alanine 165 with threonine.
Molecular consequence: missense variant.
Genome position (GRCh38, 1-based): chr19:16,841,879, G>A. VCF-style: chr19-16841879-G-A. GRCh37 (hg19) VCF-style: chr19-16952690-G-A.
Other names: c.493G>A, p.Ala165Thr (NM_015260.4); short protein forms A165T.
Identifiers: ClinVar variation 1809845 (VCV001809845.1), dbSNP rs2513034894, ClinGen allele CA404635719.

ClinVar aggregate classification (germline): Uncertain significance (1 of 4 stars; one submission).

gnomAD v4.1: 1 of 1,614,000 alleles (0.000062%); highest among the groups gnomAD compares: Non-Finnish European, 0.000085%; no homozygotes.

Submission:

GeneDx
Classification: Uncertain significance. Last evaluated: 2022-07-01. Review status: criteria provided, single submitter. Criteria: GeneDx Variant Classification Process June 2021. Collection method: clinical testing. Allele origin: germline. Affected: yes.
Comment: Not observed at significant frequency in large population cohorts (gnomAD); In silico analysis supports that this missense variant has a deleterious effect on protein structure/function; Has not been previously published as pathogenic or benign to our knowledge